The following is an entry in ClinVar:

ClinVar aggregate classification (germline): Uncertain significance (1 of 4 stars; one submission).

Submission:

GeneDx
Classification: Uncertain significance. Last evaluated: 2025-05-15. Review status: criteria provided, single submitter. Criteria: GeneDx Variant Classification Process June 2021. Collection method: clinical testing. Allele origin: germline. Affected: yes.
Comment: Not observed at significant frequency in large population cohorts (gnomAD); In silico analysis suggests that this missense variant does not alter protein structure/function; Has not been previously published as pathogenic or benign to our knowledge

NM_013296.5(GPSM2):c.2019G>C (p.Glu673Asp)

Genes: CLCC1 (chloride channel CLIC like 1; minus strand), GPSM2 (G protein signaling modulator 2; plus strand). Cytogenetic location: 1p13.3.
Variant type: single nucleotide variant.
Coding change: c.2019G>C on transcript NM_013296.5 (MANE Select); coding-DNA position 2019, G replaced by C.
Protein change: p.Glu673Asp; replaces glutamic acid 673 with aspartic acid.
Molecular consequence: missense variant. On other transcripts: 3 prime UTR variant (17), non-coding transcript variant (1).
Genome position (GRCh38, 1-based): chr1:108,929,904, G>C. VCF-style: chr1-108929904-G-C. GRCh37 (hg19) VCF-style: chr1-109472526-G-C.
Other names: c.*2643C>G (NM_001048210.3, NM_001278202.2, NM_001278203.1 and 10 more transcripts); c.*2648C>G (NM_001377459.1, NM_001377460.1, NM_001377462.1 and 1 more transcripts); c.2019G>C, p.Glu673Asp (NM_001321038.2, NM_001321039.3); short protein forms E673D.
Identifiers: ClinVar variation 4529903 (VCV004529903.1).
Genomic context (GRCh38, chr1:108,929,904, plus strand): 5'-TCAAAACAGAGACACTGACTTTGGGCTAAAGGACTTTTTGCAAAATAATGCTTTGTTGGA[G>C]TTTAAAAATTCAGGGAAAAAATCGGCAGACCATTAGTTACTATGGATTTATTTTTTTTCC-3'
Protein context (NP_037428.3, residues 663-683): KDFLQNNALL[Glu673Asp]FKNSGKKSAD